The following is an entry in ClinVar:

ClinVar aggregate classification (germline): Uncertain significance (1 of 4 stars; one submission).

Conditions:
Long QT syndrome (LQTS). Identifiers: MedGen C0023976, MeSH D008133, MONDO:0002442. Disease mechanism: loss of function. Inheritance: Various modes of inheritance.

Submission:

Labcorp Genetics (formerly Invitae), Labcorp
Classification: Uncertain significance for Long QT syndrome. Last evaluated: 2025-07-20. Review status: criteria provided, single submitter. Criteria: Invitae Variant Classification Sherloc (09022015). Collection method: clinical testing. Allele origin: germline.
Comment: This sequence change replaces glutamic acid, which is acidic and polar, with aspartic acid, which is acidic and polar, at codon 445 of the CACNA1C protein (p.Glu445Asp). This variant is not present in population databases (gnomAD no frequency). This variant has not been reported in the literature in individuals affected with CACNA1C-related conditions. ClinVar contains an entry for this variant (Variation ID: 2835543). Invitae Evidence Modeling of protein sequence and biophysical properties (such as structural, functional, and spatial information, amino acid conservation, physicochemical variation, residue mobility, and thermodynamic stability) has been performed for this missense variant. However, the output from this modeling did not meet the statistical confidence thresholds required to predict the impact of this variant on CACNA1C protein function. In summary, the available evidence is currently insufficient to determine the role of this variant in disease. Therefore, it has been classified as a Variant of Uncertain Significance.

NM_000719.7(CACNA1C):c.1335A>C (p.Glu445Asp)

Gene: CACNA1C (calcium voltage-gated channel subunit alpha1 C; plus strand). Cytogenetic location: 12p13.33.
Variant type: single nucleotide variant.
Coding change: c.1335A>C on transcript NM_000719.7 (MANE Select); coding-DNA position 1335, A replaced by C.
Protein change: p.Glu445Asp; replaces glutamic acid 445 with aspartic acid.
Molecular consequence: missense variant.
Genome position (GRCh38, 1-based): chr12:2,512,929, A>C. VCF-style: chr12-2512929-A-C. GRCh37 (hg19) VCF-style: chr12-2622095-A-C.
Other names: c.1335A>C, p.Glu445Asp (NM_001129839.2, NM_001129840.2, NM_001129841.2 and 18 more transcripts); c.1326A>C, p.Glu442Asp (NM_001129844.2); short protein forms E442D, E445D.
Identifiers: ClinVar variation 2835543 (VCV002835543.3), dbSNP rs2507188992, ClinGen allele CA383367158.